The following is an entry in ClinVar:

NM_001369268.1(ACAN):c.2023C>T (p.Arg675Ter)

Gene: ACAN (aggrecan; plus strand). Cytogenetic location: 15q26.1.
Variant type: single nucleotide variant.
Coding change: c.2023C>T on transcript NM_001369268.1 (MANE Select); coding-DNA position 2023, C replaced by T.
Protein change: p.Arg675Ter; replaces arginine 675 with a stop codon.
Molecular consequence: nonsense.
Genome position (GRCh38, 1-based): chr15:88,849,728, C>T. VCF-style: chr15-88849728-C-T. GRCh37 (hg19) VCF-style: chr15-89392959-C-T.
Other names: c.2023C>T, p.Arg675Ter (NM_001135.4, NM_013227.4); short protein forms R675*.
Identifiers: ClinVar variation 1328253 (VCV001328253.28), dbSNP rs1356219990, ClinGen allele CA393712695.

ClinVar aggregate classification (germline): Pathogenic/Likely pathogenic. Review status: criteria provided, multiple submitters, no conflicts (2 of 4 stars). 6 submissions from 6 submitters: Pathogenic (3); Likely pathogenic (1). 2 of the submissions do not count toward it. Last evaluated 2026-01-01.

Conditions:
Short stature and advanced bone age, with or without early-onset osteoarthritis and/or osteochondritis dissecans (SSOAOD). Identifiers: Orphanet 251262, MedGen C3665488, MONDO:0100462, OMIM 165800.
Spondyloepimetaphyseal dysplasia, aggrecan type. Also called: SEMD, AGGRECAN TYPE. Identifiers: Orphanet 171866, MedGen C2748544, MONDO:0013014, OMIM 612813.
Spondyloepiphyseal dysplasia, Kimberley type. Identifiers: Orphanet 93283, MedGen C1842149, MONDO:0012019, OMIM 608361.

gnomAD v4.1: 1 of 1,613,606 alleles (0.000062%); highest among the groups gnomAD compares: Non-Finnish European, 0.000085%; no homozygotes.

Submissions (6):

CeGaT Center for Human Genetics Tuebingen
Classification: Pathogenic. Last evaluated: 2026-01-01. Review status: criteria provided, single submitter. Criteria: CeGaT Center For Human Genetics Tuebingen Variant Classification Criteria Version 2. Collection method: clinical testing. Allele origin: germline. Affected: yes. Observed: 3 variant alleles.
Comment: ACAN: PVS1, PM2, PS4:Moderate

Labcorp Genetics (formerly Invitae), Labcorp
Classification: Pathogenic. Last evaluated: 2024-08-14. Review status: criteria provided, single submitter. Criteria: Invitae Variant Classification Sherloc (09022015). Collection method: clinical testing. Allele origin: germline.
Comment: This sequence change creates a premature translational stop signal (p.Arg675*) in the ACAN gene. It is expected to result in an absent or disrupted protein product. Loss-of-function variants in ACAN are known to be pathogenic (PMID: 16080123, 24762113). This variant is not present in population databases (gnomAD no frequency). This variant has not been reported in the literature in individuals affected with ACAN-related conditions. ClinVar contains an entry for this variant (Variation ID: 1328253). For these reasons, this variant has been classified as Pathogenic.

Fulgent Genetics
Classification: Pathogenic for Short stature and advanced bone age, with or without early-onset osteoarthritis and/or osteochondritis dissecans; Spondyloepiphyseal dysplasia, Kimberley type; Spondyloepimetaphyseal dysplasia, aggrecan type. Last evaluated: 2023-12-28. Review status: criteria provided, single submitter. Criteria: ACMG Guidelines, 2015. Collection method: clinical testing. Allele origin: germline.

Laboratorio de Genetica e Diagnostico Molecular, Hospital Israelita Albert Einstein
Classification: Likely pathogenic for Short stature and advanced bone age, with or without early-onset osteoarthritis and/or osteochondritis dissecans. Last evaluated: 2021-12-04. Review status: criteria provided, single submitter. Criteria: ACMG Guidelines, 2015. Collection method: clinical testing. Allele origin: germline. Affected: yes.
Comment: ACMG classification criteria: PVS1 very strong, PM2 moderate

Genome Diagnostics Laboratory, Amsterdam University Medical Center
Classification: Pathogenic. Review status: no assertion criteria provided. Collection method: clinical testing. Allele origin: germline. Affected: yes. Study: VKGL Data-share Consensus. Not counted in ClinVar's aggregate classification.

Laboratory of Diagnostic Genome Analysis, Leiden University Medical Center (LUMC)
Classification: Pathogenic. Review status: no assertion criteria provided. Collection method: clinical testing. Allele origin: germline. Affected: yes. Study: VKGL Data-share Consensus. Not counted in ClinVar's aggregate classification.

Literature cited by the submitters: PubMed 16080123 (cited by Labcorp Genetics (formerly Invitae), Labcorp); PubMed 24762113 (cited by Labcorp Genetics (formerly Invitae), Labcorp).